The following is an entry in ClinVar:

NM_052874.5(STX1B):c.706G>A (p.Val236Met)

Gene: STX1B (syntaxin 1B; minus strand). Cytogenetic location: 16p11.2.
Variant type: single nucleotide variant.
Coding change: c.706G>A on transcript NM_052874.5 (MANE Select); coding-DNA position 706, G replaced by A.
Protein change: p.Val236Met; replaces valine 236 with methionine.
Molecular consequence: missense variant.
Genome position (GRCh38, 1-based): chr16:30,993,210, C>T on the plus strand (G>A on the coding strand, the complement: STX1B is on the minus strand). VCF-style: chr16-30993210-C-T. GRCh37 (hg19) VCF-style: chr16-31004531-C-T.
Other names: short protein forms V236M.
Identifiers: ClinVar variation 4537747 (VCV004537747.2).

ClinVar aggregate classification (germline): Uncertain significance (1 of 4 stars; one submission).

gnomAD v4.1: 3 of 1,614,192 alleles (0.00019%); no homozygotes.

Submission:

GeneDx
Classification: Uncertain significance. Last evaluated: 2025-12-31. Review status: criteria provided, single submitter. Criteria: GeneDx Variant Classification Process June 2021. Collection method: clinical testing. Allele origin: germline.
Comment: Not observed at significant frequency in large population cohorts (gnomAD); In silico analysis suggests that this missense variant does not alter protein structure/function; Has not been previously published as pathogenic or benign to our knowledge